The following is an entry in ClinVar:

NM_002230.4(JUP):c.1055-3C>G

Gene: JUP (junction plakoglobin; minus strand). Cytogenetic location: 17q21.2.
Variant type: single nucleotide variant.
Coding change: c.1055-3C>G on transcript NM_002230.4 (MANE Select); 3 bases into the intron before coding-DNA position 1055, C replaced by G.
Molecular consequence: intron variant.
Genome position (GRCh38, 1-based): chr17:41,764,819, G>C on the plus strand (C>G on the coding strand, the complement: JUP is on the minus strand). VCF-style: chr17-41764819-G-C. GRCh37 (hg19) VCF-style: chr17-39921071-G-C.
Other names: c.1055-3C>G (NM_001352774.2, NM_021991.4, NM_001352776.2 and 3 more transcripts).
Identifiers: ClinVar variation 1448183 (VCV001448183.6), dbSNP rs1597807473, ClinGen allele CA2260173862.

ClinVar aggregate classification (germline): Uncertain significance (1 of 4 stars; one submission).

Conditions:
Naxos disease (NXD). Also called: PALMOPLANTAR KERATODERMA WITH ARRHYTHMOGENIC RIGHT VENTRICULAR CARDIOMYOPATHY AND WOOLLY HAIR; WOOLLY HAIR, PALMOPLANTAR KERATODERMA, AND CARDIAC ABNORMALITIES; KERATOSIS PALMOPLANTARIS WITH ARRHYTHMOGENIC CARDIOMYOPATHY; MAL DE NAXOS; CARDIOMYOPATHY, ARRHYTHMOGENIC RIGHT VENTRICULAR, WITH SKIN, HAIR, AND NAIL ABNORMALITIES. Identifiers: Orphanet 34217, MedGen C1832600, MONDO:0011017, OMIM 601214.
Arrhythmogenic right ventricular dysplasia 12. Also called: ARRHYTHMOGENIC RIGHT VENTRICULAR DYSPLASIA, FAMILIAL, 12. Identifiers: MedGen C1969081, MONDO:0012684, OMIM 611528.

Allele frequency attached by ClinVar (database versions not stated): gnomAD exomes below 0.00001.
gnomAD v4.1: 1 of 1,613,762 alleles (0.000062%); highest among the groups gnomAD compares: Non-Finnish European, 0.000085%; no homozygotes.

Submission:

Labcorp Genetics (formerly Invitae), Labcorp
Classification: Uncertain significance for Arrhythmogenic right ventricular dysplasia 12; Naxos disease. Last evaluated: 2024-01-18. Review status: criteria provided, single submitter. Criteria: Invitae Variant Classification Sherloc (09022015). Collection method: clinical testing. Allele origin: germline.
Comment: This sequence change falls in intron 6 of the JUP gene. It does not directly change the encoded amino acid sequence of the JUP protein. It affects a nucleotide within the consensus splice site. This variant is not present in population databases (gnomAD no frequency). This variant has not been reported in the literature in individuals affected with JUP-related conditions. ClinVar contains an entry for this variant (Variation ID: 1448183). Variants that disrupt the consensus splice site are a relatively common cause of aberrant splicing (PMID: 17576681, 9536098). Algorithms developed to predict the effect of sequence changes on RNA splicing suggest that this variant may disrupt the consensus splice site. In summary, the available evidence is currently insufficient to determine the role of this variant in disease. Therefore, it has been classified as a Variant of Uncertain Significance.

Literature cited by the submitters: PubMed 17576681; PubMed 9536098.